The following is an entry in ClinVar:

NM_001042492.3(NF1):c.6074C>G (p.Ser2025Ter)

Gene: NF1 (neurofibromin 1; plus strand). Cytogenetic location: 17q11.2.
Variant type: single nucleotide variant.
Coding change: c.6074C>G on transcript NM_001042492.3 (MANE Select); coding-DNA position 6074, C replaced by G.
Protein change: p.Ser2025Ter; replaces serine 2025 with a stop codon.
Molecular consequence: nonsense.
Genome position (GRCh38, 1-based): chr17:31,336,400, C>G. VCF-style: chr17-31336400-C-G. GRCh37 (hg19) VCF-style: chr17-29663418-C-G.
Other names: c.6011C>G, p.Ser2004Ter (NM_000267.4); short protein forms S2004*, S2025*.
Identifiers: ClinVar variation 4281692 (VCV004281692.2).

ClinVar aggregate classification (germline): Pathogenic/Likely pathogenic. Review status: criteria provided, multiple submitters, no conflicts (2 of 4 stars). 2 submissions from 2 submitters: Pathogenic (1); Likely pathogenic (1). Last evaluated 2026-06-12.

Conditions:
Neurofibromatosis, familial spinal (FSNF). Identifiers: Orphanet 636, MedGen C1834235, MONDO:0008078, OMIM 162210. Disease mechanism: loss of function.
Neurofibromatosis, type 1 (NF1). Also called: VON RECKLINGHAUSEN DISEASE; NEUROFIBROMATOSIS, TYPE I, SOMATIC; Peripheral type neurofibromatosis; Neurofibromatosis, type I. Identifiers: Orphanet 636, MedGen C0027831, MONDO:0018975, OMIM 162200. Disease mechanism: loss of function.

Submissions (2):

Myriad Genetics, Inc.
Classification: Pathogenic for Neurofibromatosis, type 1. Last evaluated: 2026-06-12. Review status: criteria provided, single submitter. Criteria: Myriad Autosomal Dominant, Autosomal Recessive and X-Linked Classification Criteria (2023). Collection method: clinical testing. Allele origin: unknown.
Comment: This variant is considered pathogenic. This variant creates a termination codon and is predicted to result in premature protein truncation.

Department of Medical Genetics, Gazi University
Classification: Likely pathogenic for Neurofibromatosis, type 1; Neurofibromatosis, familial spinal. Last evaluated: 2025-10-21. Review status: criteria provided, single submitter. Criteria: ACMG Guidelines, 2015. Collection method: clinical testing. Allele origin: unknown. Inheritance: Autosomal dominant inheritance. Affected: yes. Observed: 1 heterozygote.
Comment: This variant is predicted to result in protein truncation or nonsense-mediated decay in the NF1 gene. Loss-of function variants in NF1 gene is known to be pathogenic (PMID:10712197;23913538). This variant has not been reported in the literature and large, multi-ethnic general population databases (gnomAD). Therefore, this variant is classified as likely pathogenic. Criteria applied: PVS1, PM2.

Literature cited by the submitters: PubMed 10712197 (cited by Department of Medical Genetics, Gazi University); PubMed 23913538 (cited by Department of Medical Genetics, Gazi University).